The following is an entry in ClinVar:

NM_058004.4(PI4KA):c.210A>G (p.Leu70=)

Gene: PI4KA (phosphatidylinositol 4-kinase alpha; minus strand). Cytogenetic location: 22q11.21.
Variant type: single nucleotide variant.
Coding change: c.210A>G on transcript NM_058004.4 (MANE Select); coding-DNA position 210, A replaced by G.
Protein change: p.Leu70=; no amino-acid change (leucine 70 retained).
Molecular consequence: synonymous variant.
Genome position (GRCh38, 1-based): chr22:20,838,678, T>C on the plus strand (A>G on the coding strand, the complement: PI4KA is on the minus strand). VCF-style: chr22-20838678-T-C. GRCh37 (hg19) VCF-style: chr22-21192966-T-C.
Other names: c.210A>G, p.Leu70= (NM_001362862.2, NM_001362863.2).
Identifiers: ClinVar variation 3030587 (VCV003030587.2), dbSNP rs368115431, ClinGen allele CA322264963.

ClinVar aggregate classification (germline): Likely benign (0 of 4 stars; one submission).

Conditions:
PI4KA-related disorder. Also called: PI4KA-related condition; PI4KA-related disorders. Identifiers: MedGen CN378147, MONDO:1040012.

Allele frequency attached by ClinVar (database versions not stated): gnomAD 0.00001; TOPMed 0.00001; gnomAD exomes 0.00004; ESP Exome Variant Server 0.00008.
gnomAD v4.1: 64 of 1,613,690 alleles (0.004%); highest among the groups gnomAD compares: Non-Finnish European, 0.0049%; 1 homozygote.

Submission:

PreventionGenetics, part of Exact Sciences
Classification: Likely benign for PI4KA-related condition. Last evaluated: 2021-02-02. Review status: no assertion criteria provided. Collection method: clinical testing. Allele origin: germline.
Comment: This variant is classified as likely benign based on ACMG/AMP sequence variant interpretation guidelines (Richards et al. 2015 PMID: 25741868, with internal and published modifications).